The following is an entry in ClinVar:

NM_012210.4(TRIM32):c.480G>C (p.Met160Ile)

Genes: ASTN2 (astrotactin 2; minus strand), TRIM32 (tripartite motif containing 32; plus strand). Cytogenetic location: 9q33.1.
Variant type: single nucleotide variant.
Coding change: c.480G>C on transcript NM_012210.4 (MANE Select); coding-DNA position 480, G replaced by C.
Protein change: p.Met160Ile; replaces methionine 160 with isoleucine.
Molecular consequence: missense variant. On other transcripts: intron variant (3).
Genome position (GRCh38, 1-based): chr9:116,698,222, G>C. VCF-style: chr9-116698222-G-C. GRCh37 (hg19) VCF-style: chr9-119460501-G-C.
Other names: c.480G>C, p.Met160Ile (NM_001099679.2, NM_001379048.1, NM_001379049.1 and 1 more transcripts); c.2653+27549C>G (NM_014010.5); c.2794+27549C>G (NM_001365069.1); c.2806+27549C>G (NM_001365068.1); short protein forms M160I.
Identifiers: ClinVar variation 849252 (VCV000849252.7), dbSNP rs200196832, ClinGen allele CA198769601.

ClinVar aggregate classification (germline): Uncertain significance (1 of 4 stars; one submission).

Conditions:
Bardet-Biedl syndrome (BBS). Identifiers: Orphanet 110, MedGen C0752166, MONDO:0015229.

Allele frequency attached by ClinVar (database versions not stated): TOPMed 0.00001.
gnomAD v4.1: 18 of 1,614,004 alleles (0.0011%); highest among the groups gnomAD compares: Non-Finnish European, 0.0015%; no homozygotes.

Submission:

Labcorp Genetics (formerly Invitae), Labcorp
Classification: Uncertain significance for Bardet-Biedl syndrome. Last evaluated: 2021-09-01. Review status: criteria provided, single submitter. Criteria: Invitae Variant Classification Sherloc (09022015). Collection method: clinical testing. Allele origin: germline.
Comment: This sequence change replaces methionine with isoleucine at codon 160 of the TRIM32 protein (p.Met160Ile). The methionine residue is highly conserved and there is a small physicochemical difference between methionine and isoleucine. This variant is not present in population databases (ExAC no frequency). This variant has not been reported in the literature in individuals affected with TRIM32-related conditions. Algorithms developed to predict the effect of missense changes on protein structure and function (SIFT, PolyPhen-2, Align-GVGD) all suggest that this variant is likely to be tolerated. In summary, the available evidence is currently insufficient to determine the role of this variant in disease. Therefore, it has been classified as a Variant of Uncertain Significance.